The following is an entry in ClinVar:

ClinVar aggregate classification (germline): Conflicting classifications of pathogenicity. Review status: criteria provided, conflicting classifications (1 of 4 stars). 5 submissions from 5 submitters: Likely pathogenic (2); Uncertain significance (3). Last evaluated 2026-07-17.

Conditions:
Hereditary cancer-predisposing syndrome. Also called: Hereditary Cancer Syndrome; Tumor predisposition; Hereditary neoplastic syndrome; Neoplastic Syndromes, Hereditary. Identifiers: Orphanet 140162, MedGen C0027672, MeSH D009386, MONDO:0015356.
Familial adenomatous polyposis 2. Also called: MUTYH-associated polyposis; Adenomas, multiple colorectal; FAP type 2; MUTYH Polyposis; COLORECTAL ADENOMATOUS POLYPOSIS, AUTOSOMAL RECESSIVE; ADENOMAS, MULTIPLE COLORECTAL, AUTOSOMAL RECESSIVE. Identifiers: Orphanet 220460, Orphanet 247798, MedGen C3272841, MONDO:0012041, OMIM 608456.

Submissions (5):

Myriad Genetics, Inc.
Classification: Likely pathogenic for Familial adenomatous polyposis 2. Last evaluated: 2026-07-17. Review status: criteria provided, single submitter. Criteria: Myriad Autosomal Dominant, Autosomal Recessive and X-Linked Classification Criteria (2023). Collection method: clinical testing. Allele origin: unknown.
Comment: This variant is considered likely pathogenic. Functional studies indicate this variant impacts protein function [PMID: 40738107]. This variant is expected to disrupt protein structure [Myriad internal data].

Ambry Genetics
Classification: Likely pathogenic for Hereditary cancer-predisposing syndrome. Last evaluated: 2025-08-15. Review status: criteria provided, single submitter. Criteria: Ambry Variant Classification Scheme 2023. Collection method: clinical testing. Allele origin: germline.
Comment: The p.V132D variant (also known as c.395T>A), located in coding exon 5 of the MUTYH gene, results from a T to A substitution at nucleotide position 395. The valine at codon 132 is replaced by aspartic acid, an amino acid with highly dissimilar properties. In a massively parallel cell-based functional assay testing 7,8-dihydro-8-oxoguanine:adenine (8OG:A) repair activity, a byproduct of oxidative damage, this variant was reported to be non-functional (Hemker SL et al. Am J Hum Genet. Published online July 29, 2025. DOI: 10.1016/j.ajhg.2025.07.005). This amino acid position is highly conserved in available vertebrate species. In addition, this alteration is predicted to be deleterious by in silico analysis. This variant is considered to be rare based on population cohorts in the Genome Aggregation Database (gnomAD). Based on the majority of available evidence to date, this variant is likely to be pathogenic.

Baylor Genetics
Classification: Uncertain significance for Familial adenomatous polyposis 2. Last evaluated: 2023-12-18. Review status: criteria provided, single submitter. Criteria: ACMG Guidelines, 2015. Collection method: clinical testing. Allele origin: unknown.

All of Us Research Program, National Institutes of Health
Classification: Uncertain significance for Familial adenomatous polyposis 2. Last evaluated: 2023-03-04. Review status: criteria provided, single submitter. Criteria: ACMG Guidelines, 2015. Collection method: clinical testing. Allele origin: germline. Inheritance: Autosomal recessive inheritance. Observed: 1 variant allele, 1 heterozygote.
Comment: This study involves interpretation of variants in research participants for the purpose of population health screening. Participant phenotype was not available at the time of variant classification. Additional details can be found in publication PMID: 35346344, PMCID: PMC8962531

Labcorp Genetics (formerly Invitae), Labcorp
Classification: Uncertain significance for Familial adenomatous polyposis 2. Last evaluated: 2022-08-25. Review status: criteria provided, single submitter. Criteria: Invitae Variant Classification Sherloc (09022015). Collection method: clinical testing. Allele origin: germline.
Comment: In summary, the available evidence is currently insufficient to determine the role of this variant in disease. Therefore, it has been classified as a Variant of Uncertain Significance. Algorithms developed to predict the effect of missense changes on protein structure and function (SIFT, PolyPhen-2, Align-GVGD) all suggest that this variant is likely to be disruptive. ClinVar contains an entry for this variant (Variation ID: 234028). This variant has not been reported in the literature in individuals affected with MUTYH-related conditions. This variant is not present in population databases (gnomAD no frequency). This sequence change replaces valine, which is neutral and non-polar, with aspartic acid, which is acidic and polar, at codon 132 of the MUTYH protein (p.Val132Asp).

Literature cited by the submitters: PubMed 40738107 (cited by Myriad Genetics, Inc. and Ambry Genetics).

NM_001048174.2(MUTYH):c.311T>A (p.Val104Asp)

Gene: MUTYH (mutY DNA glycosylase; minus strand). Cytogenetic location: 1p34.1.
Variant type: single nucleotide variant.
Coding change: c.311T>A on transcript NM_001048174.2 (MANE Select); coding-DNA position 311, T replaced by A.
Protein change: p.Val104Asp; replaces valine 104 with aspartic acid.
Molecular consequence: missense variant. On other transcripts: non-coding transcript variant (1), intron variant (2).
Genome position (GRCh38, 1-based): chr1:45,333,164, A>T on the plus strand (T>A on the coding strand, the complement: MUTYH is on the minus strand). VCF-style: chr1-45333164-A-T. GRCh37 (hg19) VCF-style: chr1-45798836-A-T.
Other names: c.311T>A, p.Val104Asp (NM_001048171.2, NM_001048173.2, NM_001293195.2); c.314T>A, p.Val105Asp (NM_001048172.2); c.395T>A, p.Val132Asp (NM_001128425.2); c.356T>A, p.Val119Asp (NM_001293190.2); c.344T>A, p.Val115Asp (NM_001293191.2); c.35T>A, p.Val12Asp (NM_001293192.2, NM_001293196.2); c.386T>A, p.Val129Asp (NM_012222.3); c.33+121T>A (NM_001350651.2, NM_001350650.2); short protein forms V132D, V12D, V119D, V104D, V115D, V129D, V105D.
Identifiers: ClinVar variation 234028 (VCV000234028.18), dbSNP rs876660804, ClinGen allele CA10577739.